The following is an entry in ClinVar:

ClinVar aggregate classification (germline): Uncertain significance (1 of 4 stars; one submission).

Allele frequency attached by ClinVar (database versions not stated): ExAC 0.00004; 1000 Genomes Project 30x 0.00016; ESP Exome Variant Server 0.00008; gnomAD 0.00001; 1000 Genomes Project 0.00020.
gnomAD v4.1: 15 of 1,609,902 alleles (0.00093%); highest among the groups gnomAD compares: Admixed American, 0.0067%; no homozygotes.

Submission:

Labcorp Genetics (formerly Invitae), Labcorp
Classification: Uncertain significance. Last evaluated: 2025-06-16. Review status: criteria provided, single submitter. Criteria: Invitae Variant Classification Sherloc (09022015). Collection method: clinical testing. Allele origin: germline.
Comment: This sequence change replaces alanine, which is neutral and non-polar, with valine, which is neutral and non-polar, at codon 112 of the LMX1B protein (p.Ala112Val). This variant is present in population databases (rs370537843, gnomAD 0.009%). This variant has not been reported in the literature in individuals affected with LMX1B-related conditions. ClinVar contains an entry for this variant (Variation ID: 2992247). Invitae Evidence Modeling of protein sequence and biophysical properties (such as structural, functional, and spatial information, amino acid conservation, physicochemical variation, residue mobility, and thermodynamic stability) indicates that this missense variant is not expected to disrupt LMX1B protein function with a negative predictive value of 80%. In summary, the available evidence is currently insufficient to determine the role of this variant in disease. Therefore, it has been classified as a Variant of Uncertain Significance.

NM_001174147.2(LMX1B):c.335C>T (p.Ala112Val)

Gene: LMX1B (LIM homeobox transcription factor 1 beta; plus strand). Cytogenetic location: 9q33.3.
Variant type: single nucleotide variant.
Coding change: c.335C>T on transcript NM_001174147.2 (MANE Select); coding-DNA position 335, C replaced by T.
Protein change: p.Ala112Val; replaces alanine 112 with valine.
Molecular consequence: missense variant.
Genome position (GRCh38, 1-based): chr9:126,690,844, C>T. VCF-style: chr9-126690844-C-T. GRCh37 (hg19) VCF-style: chr9-129453123-C-T.
Other names: c.335C>T, p.Ala112Val (NM_001174146.2, NM_002316.4); short protein forms A112V.
Identifiers: ClinVar variation 2992247 (VCV002992247.3), dbSNP rs370537843, ClinGen allele CA5242291.
Genomic context (GRCh38, chr9:126,690,844, plus strand): 5'-TCTGGGAGGGACTTCTGAGCACCGCCAACACGCCCGCTTTGTGCATCCGCAGGCTCTTCG[C>T]GGCCAAGTGCAGCGGCTGCATGGAGAAGATCGCCCCCACCGAGTTCGTGATGCGGGCGCT-3'
Protein context (NP_001167618.1, residues 102-122): YCKQDYQQLF[Ala112Val]AKCSGCMEKI